The following is an entry in ClinVar:

NM_006031.6(PCNT):c.1550dup (p.Gln518fs)

Gene: PCNT (pericentrin; plus strand). Cytogenetic location: 21q22.3.
Variant type: Duplication.
Coding change: c.1550dup on transcript NM_006031.6 (MANE Select); coding-DNA position 1550, one base duplicated (A; older notation c.1550dupA).
Protein change: p.Gln518fs; shifts the reading frame from glutamine 518.
Molecular consequence: frameshift variant.
Genome position (GRCh38, 1-based): chr21:46,353,197, A duplicated. VCF-style (leftmost placement, unchanged base first): chr21-46353196-G-GA. GRCh37 (hg19) VCF-style: chr21-47773110-G-GA.
Other names: c.1196dup, p.Gln400fs (NM_001315529.2); short protein forms Q400fs, Q518fs.
Identifiers: ClinVar variation 1357587 (VCV001357587.6), dbSNP rs2146654353, ClinGen allele CA2573157667.
Genomic context (GRCh38, chr21:46,353,196, plus strand): 5'-CGTGTGGAAGATTTAGAACAGCTGAAGCAGCGAGAAAAAACCCAGCATGAGTCCGAACTG[G>GA]AGCAACTGAGGATTTATTTTGAAAAGAAGTTAAGGGATGCTGAGAAAACTTACCAAGAAG-3'

ClinVar aggregate classification (germline): Pathogenic (1 of 4 stars; one submission).

Submission:

Labcorp Genetics (formerly Invitae), Labcorp
Classification: Pathogenic. Last evaluated: 2022-02-24. Review status: criteria provided, single submitter. Criteria: Invitae Variant Classification Sherloc (09022015). Collection method: clinical testing. Allele origin: germline.
Comment: This sequence change creates a premature translational stop signal (p.Gln518Alafs*7) in the PCNT gene. It is expected to result in an absent or disrupted protein product. Loss-of-function variants in PCNT are known to be pathogenic (PMID: 18174396, 22821869). This variant is not present in population databases (gnomAD no frequency). This variant has not been reported in the literature in individuals affected with PCNT-related conditions. For these reasons, this variant has been classified as Pathogenic.

Literature cited by the submitters: PubMed 18174396; PubMed 22821869.